The following is an entry in ClinVar:

NM_001139.3(ALOX12B):c.1375G>A (p.Gly459Ser)

Gene: ALOX12B (arachidonate 12-lipoxygenase, 12R type; minus strand). Cytogenetic location: 17p13.1.
Variant type: single nucleotide variant.
Coding change: c.1375G>A on transcript NM_001139.3 (MANE Select); coding-DNA position 1375, G replaced by A.
Protein change: p.Gly459Ser; replaces glycine 459 with serine.
Molecular consequence: missense variant.
Genome position (GRCh38, 1-based): chr17:8,076,332, C>T on the plus strand (G>A on the coding strand, the complement: ALOX12B is on the minus strand). VCF-style: chr17-8076332-C-T. GRCh37 (hg19) VCF-style: chr17-7979650-C-T.
Other names: short protein forms G459S.
Identifiers: ClinVar variation 1949169 (VCV001949169.5), dbSNP rs760407503, ClinGen allele CA8367319.

ClinVar aggregate classification (germline): Uncertain significance (1 of 4 stars; one submission).

Allele frequency attached by ClinVar (database versions not stated): TOPMed below 0.00001; gnomAD 0.00001.
gnomAD v4.1: 25 of 1,604,756 alleles (0.0016%); highest among the groups gnomAD compares: Non-Finnish European, 0.0019%; no homozygotes.

Submission:

Labcorp Genetics (formerly Invitae), Labcorp
Classification: Uncertain significance. Last evaluated: 2022-06-27. Review status: criteria provided, single submitter. Criteria: Invitae Variant Classification Sherloc (09022015). Collection method: clinical testing. Allele origin: germline.
Comment: Advanced modeling of protein sequence and biophysical properties (such as structural, functional, and spatial information, amino acid conservation, physicochemical variation, residue mobility, and thermodynamic stability) performed at Invitae indicates that this missense variant is expected to disrupt ALOX12B protein function. This variant has not been reported in the literature in individuals affected with ALOX12B-related conditions. This variant is not present in population databases (gnomAD no frequency). This sequence change replaces glycine, which is neutral and non-polar, with serine, which is neutral and polar, at codon 459 of the ALOX12B protein (p.Gly459Ser). In summary, the available evidence is currently insufficient to determine the role of this variant in disease. Therefore, it has been classified as a Variant of Uncertain Significance.